The following is an entry in ClinVar:

NM_003105.6(SORL1):c.4651+17GGGCT[2]

Gene: SORL1 (sortilin related receptor 1; plus strand). Cytogenetic location: 11q24.1.
Variant type: Microsatellite.
Coding change: c.4651+17GGGCT[2] on transcript NM_003105.6 (MANE Select); two copies in a row of the 5-base unit GGGCT starting at c.4651+17.
Molecular consequence: intron variant.
Genome position: GRCh38 VCF-style: chr11-121604340-CGGGCTGGGCTGGGCT-C. GRCh37 (hg19) VCF-style: chr11-121475049-CGGGCTGGGCTGGGCT-C.
Identifiers: ClinVar variation 4782077 (VCV004782077.1).

ClinVar aggregate classification (germline): Uncertain significance (1 of 4 stars; one submission).

Submission:

Labcorp Genetics (formerly Invitae), Labcorp
Classification: Uncertain significance. Last evaluated: 2025-03-01. Review status: criteria provided, single submitter. Criteria: Invitae Variant Classification Sherloc (09022015). Collection method: clinical testing. Allele origin: germline.
Comment: This sequence change falls in intron 33 of the SORL1 gene. It does not directly change the encoded amino acid sequence of the SORL1 protein. This variant is not present in population databases (gnomAD no frequency). This variant has not been reported in the literature in individuals affected with SORL1-related conditions. Experimental studies and prediction algorithms are not available or were not evaluated, and the effect of this variant on mRNA splicing is currently unknown. In summary, the available evidence is currently insufficient to determine the role of this variant in disease. Therefore, it has been classified as a Variant of Uncertain Significance.